The following is an entry in ClinVar:

NM_000540.3(RYR1):c.15041T>G (p.Met5014Arg)

Gene: RYR1 (ryanodine receptor 1; plus strand). Cytogenetic location: 19q13.2.
Variant type: single nucleotide variant.
Coding change: c.15041T>G on transcript NM_000540.3 (MANE Select); coding-DNA position 15041, T replaced by G.
Protein change: p.Met5014Arg; replaces methionine 5014 with arginine.
Molecular consequence: missense variant.
Genome position (GRCh38, 1-based): chr19:38,587,344, T>G. VCF-style: chr19-38587344-T-G. GRCh37 (hg19) VCF-style: chr19-39077984-T-G.
Other names: c.15026T>G, p.Met5009Arg (NM_001042723.2); short protein forms M5014R, M5009R.
Identifiers: ClinVar variation 1513402 (VCV001513402.8), dbSNP rs2145921970, ClinGen allele CA405694069.

ClinVar aggregate classification (germline): Uncertain significance (1 of 4 stars; one submission).

Conditions:
RYR1-related disorder. Also called: RYR1-related condition; RYR1-related disorders. Identifiers: MedGen CN239331.

Submission:

Labcorp Genetics (formerly Invitae), Labcorp
Classification: Uncertain significance for RYR1-related disorder. Last evaluated: 2021-06-13. Review status: criteria provided, single submitter. Criteria: Invitae Variant Classification Sherloc (09022015). Collection method: clinical testing. Allele origin: germline.
Comment: This sequence change replaces methionine with arginine at codon 5014 of the RYR1 protein (p.Met5014Arg). The methionine residue is highly conserved and there is a moderate physicochemical difference between methionine and arginine. This variant is not present in population databases (ExAC no frequency). This variant has not been reported in the literature in individuals with RYR1-related conditions. Algorithms developed to predict the effect of missense changes on protein structure and function are either unavailable or do not agree on the potential impact of this missense change (SIFT: "Deleterious"; PolyPhen-2: "Not Available"; Align-GVGD: "Class C0"). In summary, the available evidence is currently insufficient to determine the role of this variant in disease. Therefore, it has been classified as a Variant of Uncertain Significance.